The following is an entry in ClinVar:

ClinVar aggregate classification (germline): Likely benign. Review status: criteria provided, multiple submitters, no conflicts (2 of 4 stars). 3 submissions from 3 submitters: Likely benign (3). Last evaluated 2025-12-17.

Conditions:
Hermansky-Pudlak syndrome 2 (HPS2). Also called: Platelet defects and oculocutaneous albinism. Identifiers: Orphanet 183678, Orphanet 79430, MedGen C1842362, MONDO:0011997, OMIM 608233.

Submissions (3):

Labcorp Genetics (formerly Invitae), Labcorp
Classification: Likely benign for Hermansky-Pudlak syndrome 2. Last evaluated: 2025-12-17. Review status: criteria provided, single submitter. Criteria: Invitae Variant Classification Sherloc (09022015). Collection method: clinical testing. Allele origin: germline.

Women's Health and Genetics/Laboratory Corporation of America, LabCorp
Classification: Likely benign. Last evaluated: 2025-11-03. Review status: criteria provided, single submitter. Criteria: LabCorp Variant Classification Summary - May 2015. Collection method: clinical testing. Allele origin: germline.
Comment: Variant summary: AP3B1 c.280-7_280-6dupTT alters a nucleotide located at a position not widely known to affect splicing. Consensus agreement among computation tools predict no significant impact on normal splicing. However, these predictions have yet to be confirmed by functional studies. The frequency data for this variant in gnomAD is considered unreliable, as metrics indicate poor data quality at this position. To our knowledge, no occurrence of c.280-7_280-6dupTT in individuals affected with AP3B1-related conditions and no experimental evidence demonstrating its impact on protein function have been reported. ClinVar contains an entry for this variant (Variation ID: 753618). Based on the evidence outlined above, the variant was classified as likely benign.

Blueprint Genetics
Classification: Likely benign. Last evaluated: 2024-11-22. Review status: criteria provided, single submitter. Criteria: ACMG Guidelines, 2015. Collection method: clinical testing. Allele origin: germline.

NM_003664.5(AP3B1):c.280-14_280-13dup

Gene: AP3B1 (adaptor related protein complex 3 subunit beta 1; minus strand). Cytogenetic location: 5q14.1.
Variant type: Duplication.
Coding change: c.280-14_280-13dup on transcript NM_003664.5 (MANE Select); 14 bases into the intron before coding-DNA position 280 through 13 bases into the intron before coding-DNA position 280, 2 bases duplicated (TT; older notation c.280-14_280-13dupTT).
Molecular consequence: intron variant.
Genome position (GRCh38, 1-based): chr5:78,228,245-78,228,246, AA duplicated on the plus strand (TT on the coding strand, the reverse complement: AP3B1 is on the minus strand); duplicating any 2 consecutive bases within chr5:78,228,245-78,228,253 gives the same sequence; the c. name uses the placement nearest the transcript's 3' end. VCF-style (leftmost placement, unchanged base first): chr5-78228244-T-TAA. GRCh37 (hg19) VCF-style: chr5-77524068-T-TAA.
Other names: c.280-7_280-6dupTT (NM_003664.5); c.133-14_133-13dup (NM_001271769.2).
Identifiers: ClinVar variation 753618 (VCV000753618.11), dbSNP rs5868908, ClinGen allele CA3317398.